The following is an entry in ClinVar:

ClinVar aggregate classification (germline): Likely benign. Review status: criteria provided, multiple submitters, no conflicts (2 of 4 stars). 2 submissions from 2 submitters: Likely benign (2). Last evaluated 2025-06-01.

Submissions (2):

CeGaT Center for Human Genetics Tuebingen
Classification: Likely benign. Last evaluated: 2025-06-01. Review status: criteria provided, single submitter. Criteria: CeGaT Center For Human Genetics Tuebingen Variant Classification Criteria Version 2. Collection method: clinical testing. Allele origin: germline. Affected: yes. Observed: 1 variant allele.
Comment: DSPP: BP4, BP7

Blueprint Genetics
Classification: Likely benign. Last evaluated: 2024-01-09. Review status: criteria provided, single submitter. Criteria: ACMG Guidelines, 2015. Collection method: clinical testing. Allele origin: germline.

NM_014208.3(DSPP):c.3102C>T (p.Ser1034=)

Genes: DMP1-AS1 (DMP1 and DSPP antisense RNA 1; minus strand), DSPP (dentin sialophosphoprotein; plus strand). Cytogenetic location: 4q22.1.
Variant type: single nucleotide variant.
Coding change: c.3102C>T on transcript NM_014208.3 (MANE Select); coding-DNA position 3102, C replaced by T.
Protein change: p.Ser1034=; no amino-acid change (serine 1034 retained).
Molecular consequence: synonymous variant.
Genome position (GRCh38, 1-based): chr4:87,615,764, C>T. VCF-style: chr4-87615764-C-T. GRCh37 (hg19) VCF-style: chr4-88536916-C-T.
Identifiers: ClinVar variation 3904806 (VCV003904806.11).